The following is an entry in ClinVar:

ClinVar aggregate classification (germline): Uncertain significance (1 of 4 stars; one submission).

Submission:

Women's Health and Genetics/Laboratory Corporation of America, LabCorp
Classification: Uncertain significance. Last evaluated: 2024-08-02. Review status: criteria provided, single submitter. Criteria: LabCorp Variant Classification Summary - May 2015. Collection method: clinical testing. Allele origin: germline.
Comment: Variant summary: CHD4 c.5224A>G (p.Ile1742Val) results in a conservative amino acid change located in the CHD, C-terminal 2 (IPR012957) of the encoded protein sequence. Three of five in-silico tools predict a benign effect of the variant on protein function. The variant was absent in 250282 control chromosomes. The available data on variant occurrences in the general population are insufficient to allow any conclusion about variant significance. To our knowledge, no occurrence of c.5224A>G in individuals affected with Sifrim-Hitz Syndrome and no experimental evidence demonstrating its impact on protein function have been reported. No submitters have cited clinical-significance assessments for this variant to ClinVar. Based on the evidence outlined above, the variant was classified as uncertain significance.

NM_001273.5(CHD4):c.5224A>G (p.Ile1742Val)

Genes: CHD4 (chromodomain helicase DNA binding protein 4; minus strand), CHD4-AS1 (CHD4 antisense RNA 1; plus strand). Cytogenetic location: 12p13.31.
Variant type: single nucleotide variant.
Coding change: c.5224A>G on transcript NM_001273.5 (MANE Select); coding-DNA position 5224, A replaced by G.
Protein change: p.Ile1742Val; replaces isoleucine 1742 with valine.
Molecular consequence: missense variant.
Genome position (GRCh38, 1-based): chr12:6,578,033, T>C on the plus strand (A>G on the coding strand, the complement: CHD4 is on the minus strand). VCF-style: chr12-6578033-T-C. GRCh37 (hg19) VCF-style: chr12-6687199-T-C.
Other names: c.5203A>G, p.Ile1735Val (NM_001297553.2); c.5191A>G, p.Ile1731Val (NM_001363606.2); short protein forms I1731V, I1735V, I1742V.
Identifiers: ClinVar variation 3366537 (VCV003366537.1).